The following is an entry in ClinVar:

ClinVar aggregate classification (germline): Uncertain significance. Review status: criteria provided, multiple submitters, no conflicts (2 of 4 stars). 3 submissions from 3 submitters: Uncertain significance (3). Last evaluated 2025-07-09.

Conditions:
Age related macular degeneration 1 (ARMD1). Also called: MACULOPATHY, AGE-RELATED, 1. Identifiers: MedGen C1864205, MONDO:0011285, OMIM 603075.

Allele frequency attached by ClinVar (database versions not stated): ExAC 0.00001; gnomAD exomes 0.00003; gnomAD 0.00007; TOPMed 0.00007.
gnomAD v4.1: 51 of 1,613,972 alleles (0.0032%); highest among the groups gnomAD compares: East Asian, 0.033%; no homozygotes.

Submissions (3):

Labcorp Genetics (formerly Invitae), Labcorp
Classification: Uncertain significance. Last evaluated: 2025-07-09. Review status: criteria provided, single submitter. Criteria: Invitae Variant Classification Sherloc (09022015). Collection method: clinical testing. Allele origin: germline.
Comment: This sequence change replaces valine, which is neutral and non-polar, with isoleucine, which is neutral and non-polar, at codon 5043 of the HMCN1 protein (p.Val5043Ile). This variant is present in population databases (rs769706639, gnomAD 0.01%). This variant has not been reported in the literature in individuals affected with HMCN1-related conditions. ClinVar contains an entry for this variant (Variation ID: 876900). An algorithm developed to predict the effect of missense changes on protein structure and function outputs the following: PolyPhen-2: "Benign". The isoleucine amino acid residue is found in multiple mammalian species, which suggests that this missense change does not adversely affect protein function. In summary, the available evidence is currently insufficient to determine the role of this variant in disease. Therefore, it has been classified as a Variant of Uncertain Significance.

Genome-Nilou Lab
Classification: Uncertain significance for Age related macular degeneration 1. Last evaluated: 2023-04-11. Review status: criteria provided, single submitter. Criteria: ACMG Guidelines, 2015. Collection method: clinical testing. Allele origin: germline. Affected: no.

Illumina Laboratory Services, Illumina
Classification: Uncertain significance for Age related macular degeneration 1. Last evaluated: 2018-01-13. Review status: criteria provided, single submitter. Criteria: ICSL Variant Classification Criteria 13 December 2019. Collection method: clinical testing. Allele origin: germline.

NM_031935.3(HMCN1):c.15127G>A (p.Val5043Ile)

Gene: HMCN1 (hemicentin 1; plus strand). Cytogenetic location: 1q31.1.
Variant type: single nucleotide variant.
Coding change: c.15127G>A on transcript NM_031935.3 (MANE Select); coding-DNA position 15127, G replaced by A.
Protein change: p.Val5043Ile; replaces valine 5043 with isoleucine.
Molecular consequence: missense variant.
Genome position (GRCh38, 1-based): chr1:186,153,858, G>A. VCF-style: chr1-186153858-G-A. GRCh37 (hg19) VCF-style: chr1-186122990-G-A.
Other names: short protein forms V5043I.
Identifiers: ClinVar variation 876900 (VCV000876900.9), dbSNP rs769706639, ClinGen allele CA1295161.